The following is an entry in ClinVar:

NM_000548.5(TSC2):c.5034C>T (p.Tyr1678=)

Gene: TSC2 (TSC complex subunit 2; plus strand). Cytogenetic location: 16p13.3.
Variant type: single nucleotide variant.
Coding change: c.5034C>T on transcript NM_000548.5 (MANE Select); coding-DNA position 5034, C replaced by T.
Protein change: p.Tyr1678=; no amino-acid change (tyrosine 1678 retained).
Molecular consequence: synonymous variant.
Genome position (GRCh38, 1-based): chr16:2,087,907, C>T. VCF-style: chr16-2087907-C-T. GRCh37 (hg19) VCF-style: chr16-2137908-C-T.
Other names: c.4833C>T, p.Tyr1611= (NM_001077183.3); c.4965C>T, p.Tyr1655= (NM_001114382.3); c.4725C>T, p.Tyr1575= (NM_001318827.2); c.4689C>T, p.Tyr1563= (NM_001318829.2); c.4302C>T, p.Tyr1434= (NM_001318831.2); c.4866C>T, p.Tyr1622= (NM_001318832.2); c.4836C>T, p.Tyr1612= (NM_001363528.2); c.4902C>T, p.Tyr1634= (NM_001370404.1); and 2 more.
Identifiers: ClinVar variation 238073 (VCV000238073.27), dbSNP rs45467993, ClinGen allele CA053559.

ClinVar aggregate classification (germline): Benign/Likely benign. Review status: criteria provided, multiple submitters, no conflicts (2 of 4 stars). 11 submissions from 11 submitters: Benign (3); Likely benign (7). 1 of the submissions does not count toward it. Last evaluated 2026-01-10.

Conditions:
Tuberous sclerosis 2 (TSC2). Identifiers: Orphanet 805, MedGen C1860707, MONDO:0013199, OMIM 613254.
Isolated focal cortical dysplasia type II (FCORD2). Also called: Focal cortical dysplasia type II; CORTICAL DYSPLASIA OF TAYLOR. Identifiers: Orphanet 268994, MedGen C1846385, MONDO:0011818, OMIM 607341, HP:0032051.
Lymphangiomyomatosis (LAM). Also called: Lymphangioleiomyomatosis, somatic; Lymphangioleiomyomatosis. Identifiers: Orphanet 538, MedGen C0751674, MONDO:0011705, OMIM 606690.
TSC2-related disorder. Also called: TSC2-Related Disorders; TSC2-related condition.
Hereditary cancer-predisposing syndrome. Also called: Neoplastic Syndromes, Hereditary; Hereditary Cancer Syndrome; Tumor predisposition; Hereditary neoplastic syndrome. Identifiers: Orphanet 140162, MedGen C0027672, MeSH D009386, MONDO:0015356.
Tuberous sclerosis syndrome (TSC). Also called: Tuberous Sclerosis Complex; Tuberous sclerosis. Identifiers: Orphanet 805, MedGen C0041341, MONDO:0001734.

Allele frequency attached by ClinVar (database versions not stated): gnomAD exomes 0.00002 and 0.00004; ExAC 0.00003; gnomAD 0.00004; TOPMed 0.00005; ESP Exome Variant Server 0.00008.

Submissions (11):

Labcorp Genetics (formerly Invitae), Labcorp
Classification: Benign for Tuberous sclerosis 2. Last evaluated: 2026-01-10. Review status: criteria provided, single submitter. Criteria: Invitae Variant Classification Sherloc (09022015). Collection method: clinical testing. Allele origin: germline.

Myriad Genetics, Inc.
Classification: Benign for Tuberous sclerosis 2. Last evaluated: 2025-06-05. Review status: criteria provided, single submitter. Criteria: Myriad Autosomal Dominant, Autosomal Recessive and X-Linked Classification Criteria (2023). Collection method: clinical testing. Allele origin: unknown.
Comment: This variant is considered benign. This variant is a silent/synonymous amino acid change and it is not expected to impact splicing.

Blueprint Genetics
Classification: Likely benign. Last evaluated: 2024-04-22. Review status: criteria provided, single submitter. Criteria: ACMG Guidelines, 2015. Collection method: clinical testing. Allele origin: germline.

All of Us Research Program, National Institutes of Health
Classification: Likely benign for Tuberous sclerosis syndrome. Last evaluated: 2023-12-07. Review status: criteria provided, single submitter. Criteria: ACMG Guidelines, 2015. Collection method: clinical testing. Allele origin: germline. Inheritance: Autosomal dominant inheritance. Observed: 9 variant alleles, 9 heterozygotes.
Comment: This study involves interpretation of variants in research participants for the purpose of population health screening. Participant phenotype was not available at the time of variant classification. Additional details can be found in publication PMID: 35346344, PMCID: PMC8962531

Color Diagnostics, LLC DBA Color Health
Classification: Likely benign for Tuberous sclerosis syndrome. Last evaluated: 2022-09-20. Review status: criteria provided, single submitter. Criteria: ACMG Guidelines, 2015. Collection method: clinical testing. Allele origin: germline.

Department of Pathology and Laboratory Medicine, Sinai Health System
Classification: Likely benign for Lymphangiomyomatosis; Isolated focal cortical dysplasia type II; Tuberous sclerosis 2. Last evaluated: 2022-05-25. Review status: criteria provided, single submitter. Criteria: ACMG Guidelines, 2015. Collection method: clinical testing. Allele origin: germline. Affected: yes.

Genome-Nilou Lab
Classification: Benign for Tuberous sclerosis 2. Last evaluated: 2021-11-07. Review status: criteria provided, single submitter. Criteria: ACMG Guidelines, 2015. Collection method: clinical testing. Allele origin: germline. Affected: no.

Sema4
Classification: Likely benign for Hereditary cancer-predisposing syndrome. Last evaluated: 2021-05-14. Review status: criteria provided, single submitter. Criteria: Sema4 Curation Guidelines. Collection method: curation. Allele origin: germline.

GeneDx
Classification: Likely benign. Last evaluated: 2020-09-16. Review status: criteria provided, single submitter. Criteria: GeneDx Variant Classification Process June 2021. Collection method: clinical testing. Allele origin: germline. Affected: yes.

Ambry Genetics
Classification: Likely benign for Hereditary cancer-predisposing syndrome. Last evaluated: 2015-06-26. Review status: criteria provided, single submitter. Criteria: Ambry Variant Classification Scheme 2023. Collection method: clinical testing. Allele origin: germline.

PreventionGenetics, part of Exact Sciences
Classification: Likely benign for TSC2-related condition. Last evaluated: 2023-01-30. Review status: no assertion criteria provided. Collection method: clinical testing. Allele origin: germline. Not counted in ClinVar's aggregate classification.
Comment: This variant is classified as likely benign based on ACMG/AMP sequence variant interpretation guidelines (Richards et al. 2015 PMID: 25741868, with internal and published modifications).